The following is an entry in ClinVar:

NM_005422.4(TECTA):c.3543+1G>A

Genes: TBCEL-TECTA (TBCEL-TECTA readthrough; plus strand), TECTA (tectorin alpha; plus strand). Cytogenetic location: 11q23.3.
Variant type: single nucleotide variant.
Coding change: c.3543+1G>A on transcript NM_005422.4 (MANE Select); the canonical splice donor site of the intron after coding-DNA position 3543, G replaced by A.
Molecular consequence: splice donor variant.
Genome position (GRCh38, 1-based): chr11:121,138,023, G>A. VCF-style: chr11-121138023-G-A. GRCh37 (hg19) VCF-style: chr11-121008732-G-A.
Other names: c.4500+1G>A (NM_001378761.1).
Identifiers: ClinVar variation 5007804 (VCV005007804.2).
Genomic context (GRCh38, chr11:121,138,023, plus strand): 5'-GACGTGACCGTGTTTGGCTACAGCATCGTGATCCACCGAGCTTACAAGCACACTGTGCTG[G>A]TGAGTAGTCATGAGGTCCCCTCAAAAGGGGAATCGTGGAGACGTCAGGATGGGGTCGGCA-3'

ClinVar aggregate classification (germline): Likely pathogenic (1 of 4 stars; one submission).

Conditions:
Autosomal recessive nonsyndromic hearing loss 21. Identifiers: Orphanet 90636, MedGen C1863655, MONDO:0011351, OMIM 603629.

gnomAD v4.1: 1 of 1,613,922 alleles (0.000062%); highest among the groups gnomAD compares: Non-Finnish European, 0.000085%; no homozygotes.

Submission:

Juno Genomics, Hangzhou Juno Genomics, Inc
Classification: Likely pathogenic for Autosomal recessive nonsyndromic hearing loss 21. Review status: criteria provided, single submitter. Criteria: ACMG Guidelines, 2015. Collection method: clinical testing. Allele origin: germline.
Comment: Null variant in a gene where loss of function (LOF) is a known mechanism of disease.;Absent from controls (or at extremely low frequency if recessive) in Genome Aggregation Database.